The following is an entry in ClinVar:

NM_002472.3(MYH8):c.405G>T (p.Pro135=)

Genes: MYH8 (myosin heavy chain 8; minus strand), MYHAS (myosin heavy chain gene cluster antisense RNA; plus strand). Cytogenetic location: 17p13.1.
Variant type: single nucleotide variant.
Coding change: c.405G>T on transcript NM_002472.3 (MANE Select); coding-DNA position 405, G replaced by T.
Protein change: p.Pro135=; no amino-acid change (proline 135 retained).
Molecular consequence: synonymous variant.
Genome position (GRCh38, 1-based): chr17:10,418,751, C>A on the plus strand (G>T on the coding strand, the complement: MYH8 is on the minus strand). VCF-style: chr17-10418751-C-A. GRCh37 (hg19) VCF-style: chr17-10322068-C-A.
Identifiers: ClinVar variation 3036906 (VCV003036906.2), dbSNP rs775704195, ClinGen allele CA8388384.

ClinVar aggregate classification (germline): Likely benign (0 of 4 stars; one submission).

Conditions:
MYH8-related disorder. Also called: MYH8-related condition.

gnomAD v4.1: 11 of 1,613,882 alleles (0.00068%); highest among the groups gnomAD compares: Non-Finnish European, 0.00093%; no homozygotes.

Submission:

PreventionGenetics, part of Exact Sciences
Classification: Likely benign for MYH8-related condition. Last evaluated: 2020-06-01. Review status: no assertion criteria provided. Collection method: clinical testing. Allele origin: germline.
Comment: This variant is classified as likely benign based on ACMG/AMP sequence variant interpretation guidelines (Richards et al. 2015 PMID: 25741868, with internal and published modifications).